The following is an entry in ClinVar:

NM_017709.4(TENT5C):c.889G>A (p.Ala297Thr)

Gene: TENT5C (terminal nucleotidyltransferase 5C; plus strand). Cytogenetic location: 1p12.
Variant type: single nucleotide variant.
Coding change: c.889G>A on transcript NM_017709.4 (MANE Select); coding-DNA position 889, G replaced by A.
Protein change: p.Ala297Thr; replaces alanine 297 with threonine.
Molecular consequence: missense variant.
Genome position (GRCh38, 1-based): chr1:117,623,757, G>A. VCF-style: chr1-117623757-G-A. GRCh37 (hg19) VCF-style: chr1-118166379-G-A.
Other names: short protein forms A297T.
Identifiers: ClinVar variation 134234 (VCV000134234.1), dbSNP rs149654076, ClinGen allele CA159219.

ClinVar aggregate classification (germline): not provided (0 of 4 stars; one submission).

Allele frequency attached by ClinVar (database versions not stated): 1000 Genomes Project 0.00040; 1000 Genomes Project 30x 0.00047; TOPMed 0.00143; gnomAD 0.00150 and 0.00161; ESP Exome Variant Server 0.00169.
gnomAD v4.1: 3,597 of 1,614,138 alleles (0.22%); highest among the groups gnomAD compares: Non-Finnish European, 0.26%; 5 homozygotes.

Submission:

ITMI
No classification provided. Condition: AllHighlyPenetrant. Last evaluated: 2013-09-19. Review status: no classification provided. Collection method: reference population. Allele origin: germline.
Comment: Please see associated publication for description of ethnicities

Literature cited by the submitters: PubMed 24728327.